The following is an entry in ClinVar:

NM_203447.4(DOCK8):c.65C>T (p.Ala22Val)

Gene: DOCK8 (dedicator of cytokinesis 8; plus strand). Cytogenetic location: 9p24.3.
Variant type: single nucleotide variant.
Coding change: c.65C>T on transcript NM_203447.4 (MANE Select); coding-DNA position 65, C replaced by T.
Protein change: p.Ala22Val; replaces alanine 22 with valine.
Molecular consequence: missense variant.
Genome position (GRCh38, 1-based): chr9:271,638, C>T. VCF-style: chr9-271638-C-T. GRCh37 (hg19) VCF-style: chr9-271638-C-T.
Other names: p.A22V:GCG>GTG; short protein forms A22V.
Identifiers: ClinVar variation 137155 (VCV000137155.31), dbSNP rs506121, ClinGen allele CA175834.
Genomic context (GRCh38, chr9:271,638, plus strand): 5'-GATTTCCTAAAATAATCATTTCATTTAGATTTTTCTATTTTAATCCAAGGTATTCTTCAG[C>T]GGAAATAAGGAAACAGTTTACTCTCCCACCAAACCTTGGCCAGTACCATCGACAGAGCAT-3'
Protein context (NP_982272.2, residues 12-32): FALKINRYSS[Ala22Val]EIRKQFTLPP

ClinVar aggregate classification (germline): Benign/Likely benign. Review status: criteria provided, multiple submitters, no conflicts (2 of 4 stars). 14 submissions from 14 submitters: Benign (10); Likely benign (2). 2 of the submissions do not count toward it. Last evaluated 2026-02-04.

Conditions:
Combined immunodeficiency due to DOCK8 deficiency (HIES2). Also called: HIES autosomal recessive; HYPER-IgE RECURRENT INFECTION SYNDROME 2, AUTOSOMAL RECESSIVE; DOCK8 Deficiency; Hyper-IgE recurrent infection syndrome, autosomal recessive; HYPER-IgE SYNDROME 2, AUTOSOMAL RECESSIVE, WITH RECURRENT INFECTIONS. Identifiers: Orphanet 217390, MedGen C4722305, MONDO:0009478, OMIM 243700.

Allele frequency attached by ClinVar (database versions not stated): ESP Exome Variant Server 0.31888; gnomAD exomes 0.32846 and 0.34372; TOPMed 0.31611; gnomAD 0.32420 and 0.32449; 1000 Genomes Project 30x 0.30387; 1000 Genomes Project 0.30771; ExAC 0.32449.
gnomAD v4.1: 525,872 of 1,540,820 alleles (34%); highest among the groups gnomAD compares: East Asian, 38%; 91,775 homozygotes.

Submissions (14):

Labcorp Genetics (formerly Invitae), Labcorp
Classification: Benign for Combined immunodeficiency due to DOCK8 deficiency. Last evaluated: 2026-02-04. Review status: criteria provided, single submitter. Criteria: Invitae Variant Classification Sherloc (09022015). Collection method: clinical testing. Allele origin: germline.

Women's Health and Genetics/Laboratory Corporation of America, LabCorp
Classification: Likely benign. Last evaluated: 2026-01-21. Review status: criteria provided, single submitter. Criteria: LabCorp Variant Classification Summary - May 2015. Collection method: clinical testing. Allele origin: germline.

Blueprint Genetics
Classification: Likely benign. Last evaluated: 2024-11-27. Review status: criteria provided, single submitter. Criteria: ACMG Guidelines, 2015. Collection method: clinical testing. Allele origin: germline.

Unidad de Genómica Garrahan, Hospital de Pediatría Garrahan
Classification: Benign. Last evaluated: 2023-11-12. Review status: criteria provided, single submitter. Criteria: ACMG Guidelines, 2015. Collection method: clinical testing. Allele origin: germline. Affected: no. Observed: 40 variant alleles.
Comment: This variant is classified as Benign based on local population frequency. This variant was detected in 42% of patients studied by a panel of primary immunodeficiencies. Number of patients: 40. Only high quality variants are reported.

Genome-Nilou Lab
Classification: Benign for Combined immunodeficiency due to DOCK8 deficiency. Last evaluated: 2021-07-14. Review status: criteria provided, single submitter. Criteria: ACMG Guidelines, 2015. Collection method: clinical testing. Allele origin: germline. Affected: no.

Mayo Clinic Laboratories, Mayo Clinic
Classification: Benign. Last evaluated: 2019-04-10. Review status: criteria provided, single submitter. Criteria: ACMG Guidelines, 2015. Collection method: clinical testing. Allele origin: germline. Observed: 471 variant alleles.

Illumina Laboratory Services, Illumina
Classification: Benign for Combined immunodeficiency due to DOCK8 deficiency. Last evaluated: 2018-01-12. Review status: criteria provided, single submitter. Criteria: ICSL Variant Classification Criteria 13 December 2019. Collection method: clinical testing. Allele origin: germline.
Comment: This variant was observed in the ICSL laboratory as part of a predisposition screen in an ostensibly healthy population. It had not been previously curated by ICSL or reported in the Human Gene Mutation Database (HGMD: prior to June 1st, 2018), and was therefore a candidate for classification through an automated scoring system. Utilizing variant allele frequency, disease prevalence and penetrance estimates, and inheritance mode, an automated score was calculated to assess if this variant is too frequent to cause the disease. Based on the score and internal cut-off values, a variant classified as benign is not then subjected to further curation. The score for this variant resulted in a classification of benign for this disease.

Oxford Medical Genetics Laboratories, Oxford University Hospitals NHS Foundation Trust
Classification: Benign for Combined immunodeficiency due to DOCK8 deficiency. Last evaluated: 2015-08-25. Review status: criteria provided, single submitter. Criteria: Kienzler et al. (Clin Immunol. 2016). Collection method: clinical testing. Allele origin: maternal, germline. Affected: yes and no. Observed: 1 heterozygote, 1 hemizygote.

GeneDx
Classification: Benign. Last evaluated: 2014-03-11. Review status: criteria provided, single submitter. Criteria: GeneDx Variant Classification (06012015). Collection method: clinical testing. Allele origin: germline. Affected: yes.
Comment: This variant is considered likely benign or benign based on one or more of the following criteria: it is a conservative change, it occurs at a poorly conserved position in the protein, it is predicted to be benign by multiple in silico algorithms, and/or has population frequency not consistent with disease.

Laboratory for Molecular Medicine, Mass General Brigham Personalized Medicine
Classification: Benign. Last evaluated: 2013-02-21. Review status: criteria provided, single submitter. Criteria: LMM Criteria. Collection method: clinical testing. Allele origin: germline. Observed: 35 variant alleles.
Comment: Ala22Val in exon 2 of DOCK8: This variant is not expected to have clinical signi ficance because it has been identified in 33.0% (1051/3182) of European American chromosomes from a broad population by the NHLBI Exome Sequencing Project (dbSNP rs506121).

Breakthrough Genomics
Classification: Benign. Review status: criteria provided, single submitter. Criteria: ACMG Guidelines, 2015. Collection method: not provided. Allele origin: germline. Inheritance: Autosomal recessive inheritance. Affected: yes.

PreventionGenetics, part of Exact Sciences
Classification: Benign. Review status: criteria provided, single submitter. Criteria: ACMG Guidelines, 2015. Collection method: clinical testing. Allele origin: germline.

Diagnostic Laboratory, Department of Genetics, University Medical Center Groningen
Classification: Benign. Review status: no assertion criteria provided. Collection method: clinical testing. Allele origin: germline. Affected: yes. Study: VKGL Data-share Consensus. Not counted in ClinVar's aggregate classification.

Genome Diagnostics Laboratory, University Medical Center Utrecht
Classification: Benign. Review status: no assertion criteria provided. Collection method: clinical testing. Allele origin: germline. Affected: yes. Study: VKGL Data-share Consensus. Not counted in ClinVar's aggregate classification.